The following is an entry in ClinVar:

NM_017838.4(NHP2):c.302G>A (p.Arg101Gln)

Genes: NHP2 (NHP2 ribonucleoprotein; minus strand), RMND5B (required for meiotic nuclear division 5 homolog B; plus strand). Cytogenetic location: 5q35.3.
Variant type: single nucleotide variant.
Coding change: c.302G>A on transcript NM_017838.4 (MANE Select); coding-DNA position 302, G replaced by A.
Protein change: p.Arg101Gln; replaces arginine 101 with glutamine.
Molecular consequence: missense variant. On other transcripts: intron variant (1).
Genome position (GRCh38, 1-based): chr5:178,150,922, C>T on the plus strand (G>A on the coding strand, the complement: NHP2 is on the minus strand). VCF-style: chr5-178150922-C-T. GRCh37 (hg19) VCF-style: chr5-177577923-C-T.
Other names: p.Arg101Gln; c.231-1084G>A (NM_001034833.2); short protein forms R101Q.
Identifiers: ClinVar variation 241213 (VCV000241213.54), dbSNP rs145890370, ClinGen allele CA3589186.

ClinVar aggregate classification (germline): Benign/Likely benign. Review status: criteria provided, multiple submitters, no conflicts (2 of 4 stars). 11 submissions from 11 submitters: Benign (3); Likely benign (7). 1 of the submissions does not count toward it. Last evaluated 2026-09-01.

Conditions:
NHP2-related disorder. Also called: NHP2-related condition.
Dyskeratosis congenita. Identifiers: Orphanet 1775, MedGen C0265965, MONDO:0015780.
Dyskeratosis congenita, autosomal recessive 2 (DKCB2). Identifiers: Orphanet 1775, MedGen C3151441, MONDO:0013519, OMIM 613987.

Allele frequency attached by ClinVar (database versions not stated): 1000 Genomes Project 0.00200; 1000 Genomes Project 30x 0.00203; ExAC 0.00461; gnomAD exomes 0.00480 and 0.00784; gnomAD 0.00545 and 0.00615; TOPMed 0.00637; ESP Exome Variant Server 0.00753.
gnomAD v4.1: 12,258 of 1,613,994 alleles (0.76%); highest among the groups gnomAD compares: Non-Finnish European, 0.95%; 69 homozygotes.

Submissions (11):

CeGaT Center for Human Genetics Tuebingen
Classification: Likely benign. Last evaluated: 2026-09-01. Review status: criteria provided, single submitter. Criteria: CeGaT Center For Human Genetics Tuebingen Variant Classification Criteria Version 2. Collection method: clinical testing. Allele origin: germline. Affected: yes. Observed: 9 variant alleles.
Comment: NHP2: BP4, BS2; RMND5B: BS2

Labcorp Genetics (formerly Invitae), Labcorp
Classification: Benign for Dyskeratosis congenita. Last evaluated: 2026-02-03. Review status: criteria provided, single submitter. Criteria: Invitae Variant Classification Sherloc (09022015). Collection method: clinical testing. Allele origin: germline.

Mayo Clinic Laboratories, Mayo Clinic
Classification: Likely benign. Last evaluated: 2024-12-30. Review status: criteria provided, single submitter. Criteria: ACMG Guidelines, 2015. Collection method: clinical testing. Allele origin: germline. Observed: 11 variant alleles.
Comment: BS2, BP4

Blueprint Genetics
Classification: Likely benign. Last evaluated: 2024-11-26. Review status: criteria provided, single submitter. Criteria: ACMG Guidelines, 2015. Collection method: clinical testing. Allele origin: germline.

ARUP Laboratories, Molecular Genetics and Genomics, ARUP Laboratories
Classification: Likely benign for Dyskeratosis congenita, autosomal recessive 2. Last evaluated: 2024-07-30. Review status: criteria provided, single submitter. Criteria: ARUP Molecular Germline Variant Investigation Process 2024. Collection method: clinical testing. Allele origin: germline.

Sema4
Classification: Benign for Dyskeratosis congenita. Last evaluated: 2020-08-04. Review status: criteria provided, single submitter. Criteria: Sema4 Curation Guidelines. Collection method: curation. Allele origin: germline.

GeneDx
Classification: Likely benign. Last evaluated: 2020-03-23. Review status: criteria provided, single submitter. Criteria: GeneDx Variant Classification Process June 2021. Collection method: clinical testing. Allele origin: germline. Affected: yes.
Comment: This variant is associated with the following publications: (PMID: 22752289)

Center for Pediatric Genomic Medicine, Children's Mercy Hospital and Clinics
Classification: Likely benign. Last evaluated: 2017-09-08. Review status: criteria provided, single submitter. Criteria: ACMG Guidelines, 2015. Collection method: clinical testing. Allele origin: germline.

Genetic Services Laboratory, University of Chicago
Classification: Benign. Last evaluated: 2016-11-17. Review status: criteria provided, single submitter. Criteria: ACMG Guidelines, 2015. Collection method: clinical testing. Allele origin: germline. Affected: no.

Breakthrough Genomics
Classification: Likely benign. Review status: criteria provided, single submitter. Criteria: ACMG Guidelines, 2015. Collection method: not provided. Allele origin: germline. Inheritance: Autosomal recessive inheritance. Affected: yes.

PreventionGenetics, part of Exact Sciences
Classification: Benign for NHP2-related condition. Last evaluated: 2020-08-12. Review status: no assertion criteria provided. Collection method: clinical testing. Allele origin: germline. Not counted in ClinVar's aggregate classification.
Comment: This variant is classified as benign based on ACMG/AMP sequence variant interpretation guidelines (Richards et al. 2015 PMID: 25741868, with internal and published modifications).

Literature cited by the submitters: PubMed 22752289 (cited by Mayo Clinic Laboratories, Mayo Clinic); PubMed 30964210 (cited by Mayo Clinic Laboratories, Mayo Clinic); PubMed 30995915 (cited by Mayo Clinic Laboratories, Mayo Clinic).